The following is an entry in ClinVar:

NM_001378778.1(MPDZ):c.4258T>G (p.Cys1420Gly)

Gene: MPDZ (multiple PDZ domain crumbs cell polarity complex component; minus strand). Cytogenetic location: 9p23.
Variant type: single nucleotide variant.
Coding change: c.4258T>G on transcript NM_001378778.1 (MANE Select); coding-DNA position 4258, T replaced by G.
Protein change: p.Cys1420Gly; replaces cysteine 1420 with glycine.
Molecular consequence: missense variant.
Genome position (GRCh38, 1-based): chr9:13,136,746, A>C on the plus strand (T>G on the coding strand, the complement: MPDZ is on the minus strand). VCF-style: chr9-13136746-A-C. GRCh37 (hg19) VCF-style: chr9-13136745-A-C.
Other names: c.4159T>G, p.Cys1387Gly (NM_001261406.2, NM_001261407.2, NM_001375416.1 and 3 more transcripts); c.4258T>G, p.Cys1420Gly (NM_001330637.2, NM_001375413.1, NM_003829.5); c.4048T>G, p.Cys1350Gly (NM_001375420.1, NM_001375421.1, NM_001375422.1 and 4 more transcripts); c.3850T>G, p.Cys1284Gly (NM_001375427.1); short protein forms C1350G, C1420G, C1387G, C1284G.
Identifiers: ClinVar variation 1428191 (VCV001428191.8), dbSNP rs1946876684, ClinGen allele CA372948890.

ClinVar aggregate classification (germline): Uncertain significance (1 of 4 stars; one submission).

Allele frequency attached by ClinVar (database versions not stated): gnomAD 0.00001.
gnomAD v4.1: 4 of 1,602,386 alleles (0.00025%); highest among the groups gnomAD compares: Admixed American, 0.0068%; no homozygotes.

Submission:

Labcorp Genetics (formerly Invitae), Labcorp
Classification: Uncertain significance. Last evaluated: 2022-09-27. Review status: criteria provided, single submitter. Criteria: Invitae Variant Classification Sherloc (09022015). Collection method: clinical testing. Allele origin: germline.
Comment: Algorithms developed to predict the effect of sequence changes on RNA splicing suggest that this variant may create or strengthen a splice site. In summary, the available evidence is currently insufficient to determine the role of this variant in disease. Therefore, it has been classified as a Variant of Uncertain Significance. Algorithms developed to predict the effect of missense changes on protein structure and function are either unavailable or do not agree on the potential impact of this missense change (SIFT: "Deleterious"; PolyPhen-2: "Benign"; Align-GVGD: "Class C65"). ClinVar contains an entry for this variant (Variation ID: 1428191). This missense change has been observed in individual(s) with clinical features of retinitis pigmentosa (Invitae). This variant is not present in population databases (gnomAD no frequency). This sequence change replaces cysteine, which is neutral and slightly polar, with glycine, which is neutral and non-polar, at codon 1420 of the MPDZ protein (p.Cys1420Gly).